The following is an entry in ClinVar:

ClinVar aggregate classification (germline): Uncertain significance (1 of 4 stars; one submission).

Conditions:
CREBBP-related disorder. Also called: CREBBP-related disorders; CREBBP-related condition.

Submission:

PreventionGenetics, part of Exact Sciences
Classification: Uncertain significance for CREBBP-related condition. Last evaluated: 2025-03-20. Review status: criteria provided, single submitter. Criteria: ACMG Guidelines, 2015. Collection method: clinical testing. Allele origin: germline.
Comment: The CREBBP c.350C>T variant is predicted to result in the amino acid substitution p.Ala117Val. To our knowledge, this variant has not been reported in the literature. This variant is reported in 0.00088% of alleles in individuals of European (Non-Finnish) descent in gnomAD. At this time, the clinical significance of this variant is uncertain due to the absence of conclusive functional and genetic evidence.

NM_004380.3(CREBBP):c.350C>T (p.Ala117Val)

Gene: CREBBP (CREB binding lysine acetyltransferase; minus strand). Cytogenetic location: 16p13.3.
Variant type: single nucleotide variant.
Coding change: c.350C>T on transcript NM_004380.3 (MANE Select); coding-DNA position 350, C replaced by T.
Protein change: p.Ala117Val; replaces alanine 117 with valine.
Molecular consequence: missense variant.
Genome position (GRCh38, 1-based): chr16:3,850,745, G>A on the plus strand (C>T on the coding strand, the complement: CREBBP is on the minus strand). VCF-style: chr16-3850745-G-A. GRCh37 (hg19) VCF-style: chr16-3900746-G-A.
Other names: c.350C>T, p.Ala117Val (NM_001079846.1); short protein forms A117V.
Identifiers: ClinVar variation 4987436 (VCV004987436.1).